The following is an entry in ClinVar:

NM_006766.5(KAT6A):c.1131A>G (p.Ser377=)

Gene: KAT6A (lysine acetyltransferase 6A; minus strand). Cytogenetic location: 8p11.21.
Variant type: single nucleotide variant.
Coding change: c.1131A>G on transcript NM_006766.5 (MANE Select); coding-DNA position 1131, A replaced by G.
Protein change: p.Ser377=; no amino-acid change (serine 377 retained).
Molecular consequence: synonymous variant.
Genome position (GRCh38, 1-based): chr8:41,977,240, T>C on the plus strand (A>G on the coding strand, the complement: KAT6A is on the minus strand). VCF-style: chr8-41977240-T-C. GRCh37 (hg19) VCF-style: chr8-41834758-T-C.
Other names: c.1131A>G, p.Ser377= (NM_001305878.2).
Identifiers: ClinVar variation 2658579 (VCV002658579.24), dbSNP rs1824102431, ClinGen allele CA460784663.

ClinVar aggregate classification (germline): Likely benign (1 of 4 stars; one submission).

Allele frequency attached by ClinVar (database versions not stated): TOPMed below 0.00001; gnomAD 0.00001.
gnomAD v4.1: 5 of 1,614,098 alleles (0.00031%); highest among the groups gnomAD compares: South Asian, 0.0033%; no homozygotes.

Submission:

CeGaT Center for Human Genetics Tuebingen
Classification: Likely benign. Last evaluated: 2023-01-01. Review status: criteria provided, single submitter. Criteria: CeGaT Center For Human Genetics Tuebingen Variant Classification Criteria Version 2. Collection method: clinical testing. Allele origin: germline. Affected: yes. Observed: 1 variant allele.
Comment: KAT6A: BP4, BP7